The following is an entry in ClinVar:

ClinVar aggregate classification (germline): Pathogenic (1 of 4 stars; one submission).

Conditions:
Familial melanoma. Also called: Hereditary melanoma; Hereditary cutaneous melanoma. Identifiers: Orphanet 618, MedGen C1512419, MONDO:0018961.

Submission:

Labcorp Genetics (formerly Invitae), Labcorp
Classification: Pathogenic for Familial melanoma. Last evaluated: 2023-03-09. Review status: criteria provided, single submitter. Criteria: Invitae Variant Classification Sherloc (09022015). Collection method: clinical testing. Allele origin: germline.
Comment: This variant is also known as c.231_300del (p.Ala78Argfs*71) in the CDKN2A (p14ARF) transcript. This sequence change creates a premature translational stop signal (p.Leu63Profs*60) in the CDKN2A (p16INK4a) gene. It is expected to result in an absent or disrupted protein product. Loss-of-function variants in CDKN2A (p16INK4a) are known to be pathogenic (PMID: 15146471, 16905682). This variant is not present in population databases (gnomAD no frequency). This variant has not been reported in the literature in individuals affected with CDKN2A (p16INK4a)-related conditions. For these reasons, this variant has been classified as Pathogenic. While the evidence indicates that this variant confers risk of developing CDKN2A (p16INK4a)-associated conditions, its association with risk for developing CDKN2A (p14ARF)-associated conditions is still unclear. The CDKN2A gene encodes two different proteins, p16INK4a and p14ARF, which are translated from alternative transcripts with different open reading frames. Both transcripts have been analyzed. We report either the variant with the higher classification or default to the CDKN2A (p16INK4a) variant. This report therefore includes the details for the CDKN2A (p16INK4a) variant.

Literature cited by the submitters: PubMed 15146471; PubMed 16905682.

NM_000077.5(CDKN2A):c.188_257del (p.Leu63fs)

Gene: CDKN2A (cyclin dependent kinase inhibitor 2A; minus strand). Cytogenetic location: 9p21.3.
Variant type: Deletion.
Coding change: c.188_257del on transcript NM_000077.5; coding-DNA positions 188 to 257, 70 bases deleted.
Protein change: p.Leu63fs; shifts the reading frame from leucine 63.
Molecular consequence: frameshift variant (on NM_000077.6). On other transcripts: 3 prime UTR variant (1).
Genome position (GRCh38, 1-based): chr9:21,971,102-21,971,171, 70 bases deleted. GRCh37 (hg19): chr9:21,971,106-21,971,175.
Other names: c.183_252del70, p.Leu63Profs (NM_000077.6); c.188_257del, p.Leu63fs (NM_001195132.2); c.35_104del, p.Leu12fs (NM_001363763.2); c.231_300del, p.Ala78fs (NM_058195.4); c.*111_*180del (NM_058197.5); short protein forms L12fs, A78fs, L63fs.
Identifiers: ClinVar variation 2844477 (VCV002844477.3), dbSNP rs2489275539, ClinGen allele CA2739269178.